The following is an entry in ClinVar:

NM_004984.4(KIF5A):c.996A>G (p.Ser332=)

Gene: KIF5A (kinesin family member 5A; plus strand). Cytogenetic location: 12q13.3.
Variant type: single nucleotide variant.
Coding change: c.996A>G on transcript NM_004984.4 (MANE Select); coding-DNA position 996, A replaced by G.
Protein change: p.Ser332=; no amino-acid change (serine 332 retained).
Molecular consequence: synonymous variant.
Genome position (GRCh38, 1-based): chr12:57,569,562, A>G. VCF-style: chr12-57569562-A-G. GRCh37 (hg19) VCF-style: chr12-57963345-A-G.
Other names: c.729A>G, p.Ser243= (NM_001354705.2); c.996A>G (NM_004984.2).
Identifiers: ClinVar variation 1501315 (VCV001501315.7), dbSNP rs1320583318, ClinGen allele CA480264253.

ClinVar aggregate classification (germline): Likely benign (1 of 4 stars; one submission).

Conditions:
Spastic paraplegia. Identifiers: MedGen C0037772, HP:0001258.
Hereditary spastic paraplegia 10 (SPG10). Also called: SPASTIC PARAPLEGIA 10 WITH OR WITHOUT PERIPHERAL NEUROPATHY; SPASTIC PARAPLEGIA 10 WITH PERIPHERAL NEUROPATHY; SPASTIC PARAPLEGIA 10, AUTOSOMAL DOMINANT. Identifiers: Orphanet 100991, MedGen C1858712, MONDO:0011408, OMIM 604187.
Myoclonus, intractable, neonatal (NEIMY). Identifiers: MedGen C4310658, MONDO:0014979, OMIM 617235.
Amyotrophic lateral sclerosis, susceptibility to, 25. Identifiers: MedGen C4693609, MONDO:0060670, OMIM 617921.
Autosomal dominant Charcot-Marie-Tooth disease type 2 due to KIF5A mutation. Identifiers: Orphanet 324611, MedGen C4707173, MONDO:0017940.

Allele frequency attached by ClinVar (database versions not stated): gnomAD exomes below 0.00001 and 0.00001; gnomAD 0.00001.
gnomAD v4.1: 10 of 1,614,014 alleles (0.00062%); highest among the groups gnomAD compares: East Asian, 0.0022%; no homozygotes.

Submission:

Labcorp Genetics (formerly Invitae), Labcorp
Classification: Likely benign for Spastic paraplegia. Last evaluated: 2025-08-04. Review status: criteria provided, single submitter. Criteria: Invitae Variant Classification Sherloc (09022015). Collection method: clinical testing. Allele origin: germline.